The following is an entry in ClinVar:

NM_006012.4(CLPP):c.720C>G (p.Ile240Met)

Gene: CLPP (caseinolytic mitochondrial matrix peptidase proteolytic subunit; plus strand). Cytogenetic location: 19p13.3.
Variant type: single nucleotide variant.
Coding change: c.720C>G on transcript NM_006012.4 (MANE Select); coding-DNA position 720, C replaced by G.
Protein change: p.Ile240Met; replaces isoleucine 240 with methionine.
Molecular consequence: missense variant.
Genome position (GRCh38, 1-based): chr19:6,368,596, C>G. VCF-style: chr19-6368596-C-G. GRCh37 (hg19) VCF-style: chr19-6368607-C-G.
Other names: short protein forms I240M.
Identifiers: ClinVar variation 1969231 (VCV001969231.5), dbSNP rs749391404, ClinGen allele CA9123016.

ClinVar aggregate classification (germline): Uncertain significance (1 of 4 stars; one submission).

Allele frequency attached by ClinVar (database versions not stated): gnomAD exomes below 0.00001; ExAC 0.00002.

Submission:

Labcorp Genetics (formerly Invitae), Labcorp
Classification: Uncertain significance. Last evaluated: 2021-12-29. Review status: criteria provided, single submitter. Criteria: Invitae Variant Classification Sherloc (09022015). Collection method: clinical testing. Allele origin: germline.
Comment: In summary, the available evidence is currently insufficient to determine the role of this variant in disease. Therefore, it has been classified as a Variant of Uncertain Significance. Algorithms developed to predict the effect of missense changes on protein structure and function are either unavailable or do not agree on the potential impact of this missense change (SIFT: "Deleterious"; PolyPhen-2: "Possibly Damaging"; Align-GVGD: "Class C0"). This variant has not been reported in the literature in individuals affected with CLPP-related conditions. This variant is present in population databases (rs749391404, gnomAD 0.003%). This sequence change replaces isoleucine, which is neutral and non-polar, with methionine, which is neutral and non-polar, at codon 240 of the CLPP protein (p.Ile240Met).